The following is an entry in ClinVar:

ClinVar aggregate classification (germline): Uncertain significance (1 of 4 stars; one submission).

Conditions:
Hereditary cancer-predisposing syndrome. Also called: Neoplastic Syndromes, Hereditary; Tumor predisposition; Hereditary Cancer Syndrome; Hereditary neoplastic syndrome. Identifiers: Orphanet 140162, MedGen C0027672, MeSH D009386, MONDO:0015356.

Submission:

Ambry Genetics
Classification: Uncertain significance for Hereditary cancer-predisposing syndrome. Last evaluated: 2024-05-29. Review status: criteria provided, single submitter. Criteria: Ambry Variant Classification Scheme 2023. Collection method: clinical testing. Allele origin: germline.
Comment: The p.P656A variant (also known as c.1966C>G), located in coding exon 4 of the MSH6 gene, results from a C to G substitution at nucleotide position 1966. The proline at codon 656 is replaced by alanine, an amino acid with highly similar properties. This amino acid position is highly conserved in available vertebrate species. In addition, the in silico prediction for this alteration is inconclusive. Based on the available evidence, the clinical significance of this variant remains unclear.

NM_000179.3(MSH6):c.1966C>G (p.Pro656Ala)

Gene: MSH6 (mutS homolog 6; plus strand). Cytogenetic location: 2p16.3.
Variant type: single nucleotide variant.
Coding change: c.1966C>G on transcript NM_000179.3 (MANE Select); coding-DNA position 1966, C replaced by G.
Protein change: p.Pro656Ala; replaces proline 656 with alanine.
Molecular consequence: missense variant.
Genome position (GRCh38, 1-based): chr2:47,799,949, C>G. VCF-style: chr2-47799949-C-G. GRCh37 (hg19) VCF-style: chr2-48027088-C-G.
Other names: c.1576C>G, p.Pro526Ala (NM_001281492.2); c.1060C>G, p.Pro354Ala (NM_001281493.2, NM_001281494.2, NM_001406811.1 and 6 more transcripts); c.2062C>G, p.Pro688Ala (NM_001406795.1, NM_001406802.1); c.1966C>G, p.Pro656Ala (NM_001406796.1, NM_001406798.1, NM_001406800.1 and 3 more transcripts); c.1669C>G, p.Pro557Ala (NM_001406797.1, NM_001406801.1, NM_001406805.1 and 10 more transcripts); c.1441C>G, p.Pro481Ala (NM_001406799.1, NM_001406806.1, NM_001406807.1); c.1888C>G, p.Pro630Ala (NM_001406804.1); c.1972C>G, p.Pro658Ala (NM_001406813.1); and 1 more; short protein forms P481A, P526A, P354A, P557A, P656A, P600A, P630A, P658A.
Identifiers: ClinVar variation 1783525 (VCV001783525.3), dbSNP rs1669400725, ClinGen allele CA346750592.